The following is an entry in ClinVar:

ClinVar aggregate classification (germline): Uncertain significance (1 of 4 stars; one submission).

Submission:

Labcorp Genetics (formerly Invitae), Labcorp
Classification: Uncertain significance. Last evaluated: 2022-04-26. Review status: criteria provided, single submitter. Criteria: Invitae Variant Classification Sherloc (09022015). Collection method: clinical testing. Allele origin: germline.
Comment: This sequence change replaces glutamine, which is neutral and polar, with histidine, which is basic and polar, at codon 134 of the NBAS protein (p.Gln134His). This variant is not present in population databases (gnomAD no frequency). This variant has not been reported in the literature in individuals affected with NBAS-related conditions. Algorithms developed to predict the effect of missense changes on protein structure and function are either unavailable or do not agree on the potential impact of this missense change (SIFT: "Deleterious"; PolyPhen-2: "Probably Damaging"; Align-GVGD: "Class C15"). In summary, the available evidence is currently insufficient to determine the role of this variant in disease. Therefore, it has been classified as a Variant of Uncertain Significance.

NM_015909.4(NBAS):c.402G>T (p.Gln134His)

Gene: NBAS (NBAS subunit of NRZ tethering complex; minus strand). Cytogenetic location: 2p24.3.
Variant type: single nucleotide variant.
Coding change: c.402G>T on transcript NM_015909.4 (MANE Select); coding-DNA position 402, G replaced by T.
Protein change: p.Gln134His; replaces glutamine 134 with histidine.
Molecular consequence: missense variant. On other transcripts: non-coding transcript variant (1).
Genome position (GRCh38, 1-based): chr2:15,539,334, C>A on the plus strand (G>T on the coding strand, the complement: NBAS is on the minus strand). VCF-style: chr2-15539334-C-A. GRCh37 (hg19) VCF-style: chr2-15679458-C-A.
Other names: short protein forms Q134H.
Identifiers: ClinVar variation 1374736 (VCV001374736.6), dbSNP rs2148689423, ClinGen allele CA345888351.
Genomic context (GRCh38, chr2:15,539,334, plus strand): 5'-TCCTGTGCTTTCGGCATAGGCCAGTAGGGTACAATCGTAACTCCATGCTACCCGTCTCCA[C>A]TGGGGTTTCGGGTCTTTCGGAACTAGAACAAAAGAAAACAAGAGGTGCTTCTAACAATAT-3'
Protein context (NP_056993.2, residues 124-144): KCQVPKDPKP[Gln134His]WRRVAWSYDC